The following is an entry in ClinVar:

NM_007294.4(BRCA1):c.5494G>A (p.Val1832Met)

Gene: BRCA1 (BRCA1 DNA repair associated; minus strand). Cytogenetic location: 17q21.31.
Variant type: single nucleotide variant.
Coding change: c.5494G>A on transcript NM_007294.4 (MANE Select); coding-DNA position 5494, G replaced by A.
Protein change: p.Val1832Met; replaces valine 1832 with methionine.
Molecular consequence: missense variant. On other transcripts: 3 prime UTR variant (1), non-coding transcript variant (1).
Genome position (GRCh38, 1-based): chr17:43,045,776, C>T on the plus strand (G>A on the coding strand, the complement: BRCA1 is on the minus strand). VCF-style: chr17-43045776-C-T. GRCh37 (hg19) VCF-style: chr17-41197793-C-T.
Other names: c.5281G>A, p.Val1761Met (NM_001407904.1, NM_001407906.1, NM_001407907.1 and 12 more transcripts); c.5278G>A, p.Val1760Met (NM_001407917.1, NM_001407918.1, NM_001407915.1 and 1 more transcripts); c.5230G>A, p.Val1744Met (NM_001407920.1, NM_001407921.1, NM_001407922.1 and 4 more transcripts); c.5242G>A, p.Val1748Met (NM_001407919.1); c.5491G>A, p.Val1831Met (NM_001407620.1, NM_001407621.1, NM_001407622.1 and 14 more transcripts); c.5488G>A, p.Val1830Met (NM_001407627.1, NM_001407628.1, NM_001407629.1 and 13 more transcripts); c.5485G>A, p.Val1829Met (NM_001407644.1, NM_001407645.1); c.5482G>A, p.Val1828Met (NM_001407646.1); and 74 more; short protein forms V1785M, V1832M, V1853M, V728M, V750M, V751M, V1535M, V1536M.
Identifiers: ClinVar variation 1171791 (VCV001171791.9), dbSNP rs2050882095, ClinGen allele CA10590319.

ClinVar aggregate classification (germline): Uncertain significance. Review status: criteria provided, multiple submitters, no conflicts (2 of 4 stars). 2 submissions from 2 submitters: Uncertain significance (2). Last evaluated 2021-10-31.

Conditions:
Hereditary breast ovarian cancer syndrome. Also called: Hereditary breast and ovarian cancer; Hereditary breast and ovarian cancer syndrome; Hereditary breast and/or ovarian cancer syndrome; BRCA1- and BRCA2-Associated Hereditary Breast and Ovarian Cancer; Hereditary breast and ovarian cancer syndrome (HBOC); Breast and ovarian cancer. Identifiers: Orphanet 145, MedGen C0677776, MeSH D061325, MONDO:0003582. Disease mechanism: loss of function.
Hereditary cancer-predisposing syndrome. Also called: Tumor predisposition; Hereditary neoplastic syndrome; Hereditary Cancer Syndrome; Neoplastic Syndromes, Hereditary. Identifiers: Orphanet 140162, MedGen C0027672, MeSH D009386, MONDO:0015356.

Submissions (2):

Labcorp Genetics (formerly Invitae), Labcorp
Classification: Uncertain significance for Hereditary breast ovarian cancer syndrome. Last evaluated: 2021-10-31. Review status: criteria provided, single submitter. Criteria: Invitae Variant Classification Sherloc (09022015). Collection method: clinical testing. Allele origin: germline.
Comment: This variant has not been reported in the literature in individuals affected with BRCA1-related conditions. This variant is not present in population databases (gnomAD no frequency). This sequence change replaces valine, which is neutral and non-polar, with methionine, which is neutral and non-polar, at codon 1832 of the BRCA1 protein (p.Val1832Met). ClinVar contains an entry for this variant (Variation ID: 1171791). Advanced modeling of protein sequence and biophysical properties (such as structural, functional, and spatial information, amino acid conservation, physicochemical variation, residue mobility, and thermodynamic stability) performed at Invitae indicates that this missense variant is not expected to disrupt BRCA1 protein function. In summary, the available evidence is currently insufficient to determine the role of this variant in disease. Therefore, it has been classified as a Variant of Uncertain Significance.

Color Diagnostics, LLC DBA Color Health
Classification: Uncertain significance for Hereditary cancer-predisposing syndrome. Last evaluated: 2020-12-08. Review status: criteria provided, single submitter. Criteria: ACMG Guidelines, 2015. Collection method: clinical testing. Allele origin: germline.
Comment: This missense variant replaces valine with methionine at codon 1832 of the BRCA1 protein. Computational prediction is inconclusive regarding the impact of this variant on protein structure and function (internally defined REVEL score threshold 0.5 < inconclusive < 0.7, PMID: 27666373). To our knowledge, functional studies have not been reported for this variant. This variant has not been reported in individuals affected with hereditary cancer in the literature. This variant has not been identified in the general population by the Genome Aggregation Database (gnomAD). The available evidence is insufficient to determine the role of this variant in disease conclusively. Therefore, this variant is classified as a Variant of Uncertain Significance.